The following is an entry in ClinVar:

NM_001277115.2(DNAH11):c.13070G>A (p.Arg4357Gln)

Genes: DNAH11 (dynein axonemal heavy chain 11; plus strand), LOC126859962 (BRD4-independent group 4 enhancer GRCh37_chr7:21937780-21938979; plus strand). Cytogenetic location: 7p15.3.
Variant type: single nucleotide variant.
Coding change: c.13070G>A on transcript NM_001277115.2 (MANE Select); coding-DNA position 13070, G replaced by A.
Protein change: p.Arg4357Gln; replaces arginine 4357 with glutamine.
Molecular consequence: missense variant.
Genome position (GRCh38, 1-based): chr7:21,899,356, G>A. VCF-style: chr7-21899356-G-A. GRCh37 (hg19) VCF-style: chr7-21938974-G-A.
Other names: c.13091G>A, p.Arg4364Gln (NM_003777.3); short protein forms R4364Q, R4357Q.
Identifiers: ClinVar variation 1769537 (VCV001769537.7), dbSNP rs369549112, ClinGen allele CA4183284.

ClinVar aggregate classification (germline): Conflicting classifications of pathogenicity. Review status: criteria provided, conflicting classifications (1 of 4 stars). 2 submissions from 2 submitters: Uncertain significance (1); Likely benign (1). Last evaluated 2026-01-26.

Conditions:
Primary ciliary dyskinesia. Also called: Ciliary dyskinesia. Identifiers: Orphanet 244, MedGen C0008780, MONDO:0016575, HP:0012265.

Allele frequency attached by ClinVar (database versions not stated): TOPMed below 0.00001; ExAC 0.00001.
gnomAD v4.1: 26 of 1,613,766 alleles (0.0016%); highest among the groups gnomAD compares: Non-Finnish European, 0.0019%; no homozygotes.

Submissions (2):

Labcorp Genetics (formerly Invitae), Labcorp
Classification: Likely benign for Primary ciliary dyskinesia. Last evaluated: 2026-01-26. Review status: criteria provided, single submitter. Criteria: Invitae Variant Classification Sherloc (09022015). Collection method: clinical testing. Allele origin: germline.

Ambry Genetics
Classification: Uncertain significance for Primary ciliary dyskinesia. Last evaluated: 2019-12-07. Review status: criteria provided, single submitter. Criteria: Ambry Variant Classification Scheme 2023. Collection method: clinical testing. Allele origin: germline.
Comment: The p.R4357Q variant (also known as c.13070G>A), located in coding exon 80 of the DNAH11 gene, results from a G to A substitution at nucleotide position 13070. The arginine at codon 4357 is replaced by glutamine, an amino acid with highly similar properties. This amino acid position is well conserved in available vertebrate species; however, glutamine is the reference amino acid in other vertebrate species. In addition, the in silico prediction for this alteration is inconclusive. Since supporting evidence is limited at this time, the clinical significance of this alteration remains unclear.